The following is an entry in ClinVar:

NM_000238.4(KCNH2):c.1673C>T (p.Ala558Val)

Gene: KCNH2 (potassium voltage-gated channel subfamily H member 2; minus strand). Cytogenetic location: 7q36.1.
Variant type: single nucleotide variant.
Coding change: c.1673C>T on transcript NM_000238.4 (MANE Select); coding-DNA position 1673, C replaced by T.
Protein change: p.Ala558Val; replaces alanine 558 with valine.
Molecular consequence: missense variant. On other transcripts: non-coding transcript variant (2).
Genome position (GRCh38, 1-based): chr7:150,951,720, G>A on the plus strand (C>T on the coding strand, the complement: KCNH2 is on the minus strand). VCF-style: chr7-150951720-G-A. GRCh37 (hg19) VCF-style: chr7-150648808-G-A.
Other names: c.653C>T, p.Ala218Val (NM_001204798.2, NM_172057.3); c.1385C>T, p.Ala462Val (NM_001406753.1, NM_001406756.1); c.1496C>T, p.Ala499Val (NM_001406755.1); c.1373C>T, p.Ala458Val (NM_001406757.1); c.1673C>T, p.Ala558Val (NM_172056.3); short protein forms A462V, A218V, A458V, A499V, A558V.
Identifiers: ClinVar variation 4614348 (VCV004614348.2).
Genomic context (GRCh38, chr7:150,951,720, plus strand): 5'-TGTGGCTGCTCCATGTTGCCGATGGCGTACCAGATGCAGGCTAGCCAGTGCGCGATGAGC[G>A]CAAAGGTGCACATGAGCAAGAACAGCACGGCCGCGCCGTACTCTGAGTAGCGATCCAGCT-3'
Protein context (NP_000229.1, residues 548-568): AVLFLLMCTF[Ala558Val]LIAHWLACIW

ClinVar aggregate classification (germline): Uncertain significance. Review status: criteria provided, multiple submitters, no conflicts (2 of 4 stars). 2 submissions from 2 submitters: Uncertain significance (2). Last evaluated 2025-09-23.

Conditions:
Cardiovascular phenotype. Identifiers: MedGen CN230736.
Long QT syndrome (LQTS). Identifiers: MedGen C0023976, MeSH D008133, MONDO:0002442. Disease mechanism: loss of function. Inheritance: Various modes of inheritance.

gnomAD v4.1: 16 of 1,613,570 alleles (0.00099%); highest among the groups gnomAD compares: South Asian, 0.0022%; no homozygotes.

Submissions (2):

Ambry Genetics
Classification: Uncertain significance for Cardiovascular phenotype. Last evaluated: 2025-09-23. Review status: criteria provided, single submitter. Criteria: Ambry Variant Classification Scheme 2023. Collection method: clinical testing. Allele origin: germline.
Comment: The p.A558V variant (also known as c.1673C>T), located in coding exon 7 of the KCNH2 gene, results from a C to T substitution at nucleotide position 1673. The alanine at codon 558 is replaced by valine, an amino acid with similar properties. This variant was reported in individual(s) with features consistent with epilepsy (Li X et al. Ann Hum Genet, 2020 Mar;84:161-168). In an assay testing KCNH2 function, this variant showed a functionally insignificant result (Ju P et al. J Biol Chem, 2009 Jan;284:1000-8). This amino acid position is highly conserved in available vertebrate species. In addition, this alteration is predicted to be deleterious by in silico analysis. Based on the available evidence, the clinical significance of this variant remains unclear.

Labcorp Genetics (formerly Invitae), Labcorp
Classification: Uncertain significance for Long QT syndrome. Last evaluated: 2025-09-07. Review status: criteria provided, single submitter. Criteria: Invitae Variant Classification Sherloc (09022015). Collection method: clinical testing. Allele origin: germline.
Comment: This sequence change replaces alanine, which is neutral and non-polar, with valine, which is neutral and non-polar, at codon 558 of the KCNH2 protein (p.Ala558Val). This variant is present in population databases (no rsID available, gnomAD 0.006%). This variant has not been reported in the literature in individuals affected with KCNH2-related conditions. An algorithm developed to predict the effect of missense changes on protein structure and function (PolyPhen-2) suggests that this variant is likely to be disruptive. Experimental studies are conflicting or provide insufficient evidence to determine the effect of this variant on KCNH2 function (PMID: 20876384). This variant disrupts the p.Ala558 amino acid residue in KCNH2. Other variant(s) that disrupt this residue have been determined to be pathogenic (PMID: 10220144, 18551196, 25417810, 29622001). This suggests that this residue is clinically significant, and that variants that disrupt this residue are likely to be disease-causing. In summary, the available evidence is currently insufficient to determine the role of this variant in disease. Therefore, it has been classified as a Variant of Uncertain Significance.

Literature cited by the submitters: PubMed 18996846 (cited by Ambry Genetics); PubMed 31696929 (cited by Ambry Genetics); PubMed 20876384 (cited by Labcorp Genetics (formerly Invitae), Labcorp); PubMed 10220144 (cited by Labcorp Genetics (formerly Invitae), Labcorp); PubMed 18551196 (cited by Labcorp Genetics (formerly Invitae), Labcorp); PubMed 25417810 (cited by Labcorp Genetics (formerly Invitae), Labcorp); PubMed 29622001 (cited by Labcorp Genetics (formerly Invitae), Labcorp).